The following is an entry in ClinVar:

ClinVar aggregate classification (germline): Likely pathogenic. Review status: criteria provided, single submitter (1 of 4 stars). 3 submissions from 3 submitters: Likely pathogenic (1). 2 of the submissions do not count toward it. Last evaluated 2025-12-01.

Conditions:
Mucolipidosis type IV (ML4). Also called: ML IV. Identifiers: Orphanet 578, MedGen C0238286, MONDO:0009653, OMIM 252650.

Allele frequency attached by ClinVar (database versions not stated): gnomAD 0.00003; TOPMed 0.00003.

Submissions (3):

Labcorp Genetics (formerly Invitae), Labcorp
Classification: Likely pathogenic for Mucolipidosis type IV. Last evaluated: 2025-12-01. Review status: criteria provided, single submitter. Criteria: Invitae Variant Classification Sherloc (09022015). Collection method: clinical testing. Allele origin: germline.
Comment: This sequence change affects a donor splice site in intron 1 of the MCOLN1 gene. It is expected to disrupt RNA splicing. Variants that disrupt the donor or acceptor splice site typically lead to a loss of protein function (PMID: 16199547), and loss-of-function variants in MCOLN1 are known to be pathogenic (PMID: 11030752, 11317355, 37972748). This variant is present in population databases (no rsID available, gnomAD 0.01%). This variant has not been reported in the literature in individuals affected with MCOLN1-related conditions. ClinVar contains an entry for this variant (Variation ID: 370118). Algorithms developed to predict the effect of sequence changes on RNA splicing suggest that this variant may disrupt the consensus splice site. In summary, the currently available evidence indicates that the variant is pathogenic, but additional data are needed to prove that conclusively. Therefore, this variant has been classified as Likely Pathogenic.

Natera, Inc.
Classification: Likely pathogenic for Mucolipidosis type IV. Last evaluated: 2019-11-13. Review status: no assertion criteria provided. Collection method: clinical testing. Allele origin: germline. Not counted in ClinVar's aggregate classification.

Counsyl
Classification: Likely pathogenic for Mucolipidosis type IV. Last evaluated: 2015-11-24. Review status: no assertion criteria provided. Collection method: clinical testing. Allele origin: unknown. Not counted in ClinVar's aggregate classification.

Literature cited by the submitters: PubMed 16199547 (cited by Labcorp Genetics (formerly Invitae), Labcorp); PubMed 11030752 (cited by Labcorp Genetics (formerly Invitae), Labcorp); PubMed 11317355 (cited by Labcorp Genetics (formerly Invitae), Labcorp); PubMed 37972748 (cited by Labcorp Genetics (formerly Invitae), Labcorp).

NM_020533.3(MCOLN1):c.31+1G>A

Genes: MCOLN1 (mucolipin TRP cation channel 1; plus strand), LOC130063376 (ATAC-STARR-seq lymphoblastoid silent region 9986; plus strand). Cytogenetic location: 19p13.2.
Variant type: single nucleotide variant.
Coding change: c.31+1G>A on transcript NM_020533.3 (MANE Select); the canonical splice donor site of the intron after coding-DNA position 31, G replaced by A.
Molecular consequence: splice donor variant.
Genome position (GRCh38, 1-based): chr19:7,522,782, G>A. VCF-style: chr19-7522782-G-A. GRCh37 (hg19) VCF-style: chr19-7587668-G-A.
Identifiers: ClinVar variation 370118 (VCV000370118.18), dbSNP rs1057516246, ClinGen allele CA16041986.
Genomic context (GRCh38, chr19:7,522,782, plus strand): 5'-CCGCCTGCGTCCCGCGCTCCCGCCCCAGCATGACAGCCCCGGCGGGTCCGCGCGGCTCAG[G>A]TGAGGGCGCGGGCGGCACCGTGGGGCCCCGAACTCAGGCGGGCGGGCTGTGTCTCCCACC-3'